The following is an entry in ClinVar:

NM_004329.3(BMPR1A):c.869-8C>G

Gene: BMPR1A (bone morphogenetic protein receptor type 1A; plus strand). Cytogenetic location: 10q23.2.
Variant type: single nucleotide variant.
Coding change: c.869-8C>G on transcript NM_004329.3 (MANE Select); 8 bases into the intron before coding-DNA position 869, C replaced by G.
Molecular consequence: intron variant.
Genome position (GRCh38, 1-based): chr10:86,919,164, C>G. VCF-style: chr10-86919164-C-G. GRCh37 (hg19) VCF-style: chr10-88678921-C-G.
Identifiers: ClinVar variation 846313 (VCV000846313.10), dbSNP rs1843620485, ClinGen allele CA916081592.

ClinVar aggregate classification (germline): Uncertain significance (1 of 4 stars; one submission).

Conditions:
Juvenile polyposis syndrome (JPS). Identifiers: Orphanet 2929, MedGen C0345893, MONDO:0017380, OMIM 174900.

Submission:

Labcorp Genetics (formerly Invitae), Labcorp
Classification: Uncertain significance for Juvenile polyposis syndrome. Last evaluated: 2022-08-09. Review status: criteria provided, single submitter. Criteria: Invitae Variant Classification Sherloc (09022015). Collection method: clinical testing. Allele origin: germline.
Comment: This variant has not been reported in the literature in individuals affected with BMPR1A-related conditions. ClinVar contains an entry for this variant (Variation ID: 846313). Algorithms developed to predict the effect of sequence changes on RNA splicing suggest that this variant may disrupt the consensus splice site. This sequence change falls in intron 9 of the BMPR1A gene. It does not directly change the encoded amino acid sequence of the BMPR1A protein. This variant is not present in population databases (gnomAD no frequency). In summary, the available evidence is currently insufficient to determine the role of this variant in disease. Therefore, it has been classified as a Variant of Uncertain Significance.